The following is an entry in ClinVar:

NM_001042475.3(CEP85L):c.364G>A (p.Gly122Ser)

Gene: CEP85L (centrosomal protein 85L; minus strand). Cytogenetic location: 6q22.31.
Variant type: single nucleotide variant.
Coding change: c.364G>A on transcript NM_001042475.3 (MANE Select); coding-DNA position 364, G replaced by A.
Protein change: p.Gly122Ser; replaces glycine 122 with serine.
Molecular consequence: missense variant.
Genome position (GRCh38, 1-based): chr6:118,566,185, C>T on the plus strand (G>A on the coding strand, the complement: CEP85L is on the minus strand). VCF-style: chr6-118566185-C-T. GRCh37 (hg19) VCF-style: chr6-118887348-C-T.
Other names: c.373G>A, p.Gly125Ser (NM_001178035.2); c.364G>A, p.Gly122Ser (NM_206921.3); short protein forms G122S, G125S.
Identifiers: ClinVar variation 3343648 (VCV003343648.2).

ClinVar aggregate classification (germline): Uncertain significance. Review status: criteria provided, multiple submitters, no conflicts (2 of 4 stars). 2 submissions from 2 submitters: Uncertain significance (2). Last evaluated 2025-12-09.

Conditions:
Inborn genetic diseases. Identifiers: MedGen C0950123, MeSH D030342.

gnomAD v4.1: 2 of 1,614,016 alleles (0.00012%); highest among the groups gnomAD compares: Admixed American, 0.0017%; no homozygotes.

Submissions (2):

Ambry Genetics
Classification: Uncertain significance for Inborn genetic diseases. Last evaluated: 2025-12-09. Review status: criteria provided, single submitter. Criteria: Ambry Variant Classification Scheme 2023. Collection method: clinical testing. Allele origin: germline.

GeneDx
Classification: Uncertain significance. Last evaluated: 2023-05-19. Review status: criteria provided, single submitter. Criteria: GeneDx Variant Classification Process June 2021. Collection method: clinical testing. Allele origin: germline. Affected: yes.
Comment: Not observed at significant frequency in large population cohorts (gnomAD); In silico analysis supports that this missense variant does not alter protein structure/function; Has not been previously published as pathogenic or benign to our knowledge